The following is an entry in ClinVar:

ClinVar aggregate classification (germline): Uncertain significance. Review status: criteria provided, multiple submitters, no conflicts (2 of 4 stars). 5 submissions from 5 submitters: Uncertain significance (3). 2 of the submissions do not count toward it. Last evaluated 2023-05-22.

Conditions:
Brown-Vialetto-van Laere syndrome 1. Also called: BROWN-VIALETTO-VAN LAERE SYNDROME 1, MILD; BULBAR PALSY, PROGRESSIVE, WITH SENSORINEURAL DEAFNESS; PONTOBULBAR PALSY WITH DEAFNESS. Identifiers: Orphanet 572550, Orphanet 97229, MedGen C0796274, MONDO:0024537, OMIM 211530.

Allele frequency attached by ClinVar (database versions not stated): gnomAD 0.00002 and 0.00003; gnomAD exomes 0.00004 and 0.00003; TOPMed 0.00003; ExAC 0.00004.
gnomAD v4.1: 61 of 1,563,502 alleles (0.0039%); highest among the groups gnomAD compares: Non-Finnish European, 0.0052%; no homozygotes.

Submissions (5):

Labcorp Genetics (formerly Invitae), Labcorp
Classification: Uncertain significance for Brown-Vialetto-van Laere syndrome 1. Last evaluated: 2023-05-22. Review status: criteria provided, single submitter. Criteria: Invitae Variant Classification Sherloc (09022015). Collection method: clinical testing. Allele origin: germline.
Comment: The frequency data for this variant in the population databases is considered unreliable, as metrics indicate poor data quality at this position in the gnomAD database. This sequence change replaces valine, which is neutral and non-polar, with alanine, which is neutral and non-polar, at codon 413 of the SLC52A3 protein (p.Val413Ala). This missense change has been observed in individuals with Brown-Vialetto-Van Laere Syndrome (BVVLS) (PMID: 20206331, 22824638, 26443808, 27777325). ClinVar contains an entry for this variant (Variation ID: 144). Advanced modeling of protein sequence and biophysical properties (such as structural, functional, and spatial information, amino acid conservation, physicochemical variation, residue mobility, and thermodynamic stability) has been performed at Invitae for this missense variant, however the output from this modeling did not meet the statistical confidence thresholds required to predict the impact of this variant on SLC52A3 protein function. In summary, the available evidence is currently insufficient to determine the role of this variant in disease. Therefore, it has been classified as a Variant of Uncertain Significance.

MGZ Medical Genetics Center
Classification: Uncertain significance for Brown-Vialetto-van Laere syndrome 1. Last evaluated: 2022-02-14. Review status: criteria provided, single submitter. Criteria: ACMG Guidelines, 2015. Collection method: clinical testing. Allele origin: germline. Affected: yes. Observed: 1 variant allele.
Comment: ACMG criteria applied: PM2_SUP, PP3

Laboratory for Molecular Medicine, Mass General Brigham Personalized Medicine
Classification: Uncertain significance. Last evaluated: 2018-04-04. Review status: criteria provided, single submitter. Criteria: LMM Criteria. Collection method: clinical testing. Allele origin: germline. Observed: 1 variant allele.
Comment: Variant classified as Uncertain Significance - Favor Pathogenic. The p.Val413Ala variant in SLC53A3 has been reported in the compound heterozygous state in 3 pr obands with Brown-Vialetto-Van Laere syndrome (BVVLS; Green 2010, Ciccolella 201 2, Davis 2016). It has also been identified in 3/64554 European chromosomes by t he Genome Aggregation Database (gnomAD; dbSNP rs267606687). Although this variant has been seen in the general population, its frequency is not high enough to rule out a pathogenic role. Computational predi ction tools and conservation analysis suggest that the variant may not impact th e protein, though this information is not predictive enough to rule out pathogen icity. In summary, while there is some suspicion for a pathogenic role, the clin ical significance of the p.Val413Ala variant is uncertain. ACMG/AMP Criteria app lied: PM2; PM3_supporting; BP4.

GeneReviews
Classification: Pathogenic for Brown-Vialetto-Van laere syndrome. Last evaluated: 2015-03-17. Review status: no assertion criteria provided. Collection method: literature only. Allele origin: germline. Affected: yes. Not counted in ClinVar's aggregate classification.

OMIM
Classification: Pathogenic for BROWN-VIALETTO-VAN LAERE SYNDROME 1, MILD. Last evaluated: 2010-03-12. Review status: no assertion criteria provided. Collection method: literature only. Allele origin: germline. Not counted in ClinVar's aggregate classification.

Literature cited by the submitters: PubMed 20206331 (cited by 4 submitters); PubMed 22824638 (cited by Labcorp Genetics (formerly Invitae), Labcorp and Laboratory for Molecular Medicine, Mass General Brigham Personalized Medicine); PubMed 26443808 (cited by Labcorp Genetics (formerly Invitae), Labcorp and Laboratory for Molecular Medicine, Mass General Brigham Personalized Medicine); PubMed 27777325 (cited by Labcorp Genetics (formerly Invitae), Labcorp); PubMed 23107375 (cited by Laboratory for Molecular Medicine, Mass General Brigham Personalized Medicine).

NM_033409.4(SLC52A3):c.1238T>C (p.Val413Ala)

Gene: SLC52A3 (solute carrier family 52 member 3; minus strand). Cytogenetic location: 20p13.
Variant type: single nucleotide variant.
Coding change: c.1238T>C on transcript NM_033409.4 (MANE Select); coding-DNA position 1238, T replaced by C.
Protein change: p.Val413Ala; replaces valine 413 with alanine.
Molecular consequence: missense variant.
Genome position (GRCh38, 1-based): chr20:761,198, A>G on the plus strand (T>C on the coding strand, the complement: SLC52A3 is on the minus strand). VCF-style: chr20-761198-A-G. GRCh37 (hg19) VCF-style: chr20-741842-A-G.
Other names: c.1238T>C, p.Val413Ala (NM_001370085.1, NM_001370086.1); short protein forms V413A.
Identifiers: ClinVar variation 144 (VCV000000144.15), dbSNP rs267606687, ClinGen allele CA339797.